The following is an entry in ClinVar:

ClinVar aggregate classification (germline): Likely benign. Review status: criteria provided, multiple submitters, no conflicts (2 of 4 stars). 6 submissions from 6 submitters: Likely benign (5). 1 of the submissions does not count toward it. Last evaluated 2025-12-29.

Conditions:
Gorlin syndrome. Also called: Nevoid Basal Cell Carcinoma Syndrome; Basal cell nevus syndrome. Identifiers: Orphanet 377, MedGen C0004779, MONDO:0007187.
PTCH1-related disorder. Also called: PTCH1-related disorders; PTCH1-related condition.
Hereditary cancer-predisposing syndrome. Also called: Tumor predisposition; Neoplastic Syndromes, Hereditary; Hereditary Cancer Syndrome; Hereditary neoplastic syndrome. Identifiers: Orphanet 140162, MedGen C0027672, MeSH D009386, MONDO:0015356.

gnomAD v4.1: 19 of 1,613,590 alleles (0.0012%); highest among the groups gnomAD compares: Admixed American, 0.0033%; no homozygotes.

Submissions (6):

Labcorp Genetics (formerly Invitae), Labcorp
Classification: Likely benign for Gorlin syndrome. Last evaluated: 2025-12-29. Review status: criteria provided, single submitter. Criteria: Invitae Variant Classification Sherloc (09022015). Collection method: clinical testing. Allele origin: germline.

Blueprint Genetics
Classification: Likely benign. Last evaluated: 2024-10-08. Review status: criteria provided, single submitter. Criteria: ACMG Guidelines, 2015. Collection method: clinical testing. Allele origin: germline.

Quest Diagnostics Nichols Institute San Juan Capistrano
Classification: Likely benign. Last evaluated: 2023-02-06. Review status: criteria provided, single submitter. Criteria: Quest Diagnostics criteria. Collection method: clinical testing. Allele origin: unknown.

Sema4
Classification: Likely benign for Hereditary cancer-predisposing syndrome. Last evaluated: 2020-10-23. Review status: criteria provided, single submitter. Criteria: Sema4 Curation Guidelines. Collection method: curation. Allele origin: germline.

Ambry Genetics
Classification: Likely benign for Hereditary cancer-predisposing syndrome. Last evaluated: 2020-01-06. Review status: criteria provided, single submitter. Criteria: Ambry Variant Classification Scheme 2023. Collection method: clinical testing. Allele origin: germline.

PreventionGenetics, part of Exact Sciences
Classification: Likely benign for PTCH1-related condition. Last evaluated: 2019-03-21. Review status: no assertion criteria provided. Collection method: clinical testing. Allele origin: germline. Not counted in ClinVar's aggregate classification.
Comment: This variant is classified as likely benign based on ACMG/AMP sequence variant interpretation guidelines (Richards et al. 2015 PMID: 25741868, with internal and published modifications).

NM_000264.5(PTCH1):c.1734G>A (p.Ala578=)

Genes: PTCH1 (patched 1; minus strand), LOC100507346 (uncharacterized LOC100507346; plus strand). Cytogenetic location: 9q22.32.
Variant type: single nucleotide variant.
Coding change: c.1734G>A on transcript NM_000264.5 (MANE Select); coding-DNA position 1734, G replaced by A.
Protein change: p.Ala578=; no amino-acid change (alanine 578 retained).
Molecular consequence: synonymous variant. On other transcripts: non-coding transcript variant (2).
Genome position (GRCh38, 1-based): chr9:95,469,926, C>T on the plus strand (G>A on the coding strand, the complement: PTCH1 is on the minus strand). VCF-style: chr9-95469926-C-T. GRCh37 (hg19) VCF-style: chr9-98232208-C-T.
Other names: c.1536G>A, p.Ala512= (NM_001083602.3); c.1731G>A, p.Ala577= (NM_001083603.3); c.1281G>A, p.Ala427= (NM_001083604.3, NM_001083605.3, NM_001083606.3 and 1 more transcripts); c.1578G>A, p.Ala526= (NM_001354918.2); c.1734G>A (NM_000264.4).
Identifiers: ClinVar variation 220369 (VCV000220369.16), dbSNP rs765440424, ClinGen allele CA349608.
Genomic context (GRCh38, chr9:95,469,926, plus strand): 5'-CATGCTGAGAATTGCAGGAAAAATGAGCAGAACCATGGCAAAATTGAACACCACTACTAC[C>T]GCTGCCTGGGAGCAGAAAAAAAATTCAGAGGTCACCAACATGCCTCCGCCCAATCAGAGG-3'
Protein context (NP_000255.2, residues 568-588): PALRAFSLQA[Ala578=]VVVVFNFAMV